The following is an entry in ClinVar:

ClinVar aggregate classification (germline): Uncertain significance (1 of 4 stars; one submission).

Submission:

GeneDx
Classification: Uncertain significance. Last evaluated: 2025-06-02. Review status: criteria provided, single submitter. Criteria: GeneDx Variant Classification Process June 2021. Collection method: clinical testing. Allele origin: germline. Affected: yes.
Comment: Not observed at significant frequency in large population cohorts (gnomAD); In silico analysis suggests that this missense variant does not alter protein structure/function; Has not been previously published as pathogenic or benign to our knowledge

NM_003128.3(SPTBN1):c.5086G>A (p.Glu1696Lys)

Gene: SPTBN1 (spectrin beta, non-erythrocytic 1; plus strand). Cytogenetic location: 2p16.2.
Variant type: single nucleotide variant.
Coding change: c.5086G>A on transcript NM_003128.3 (MANE Select); coding-DNA position 5086, G replaced by A.
Protein change: p.Glu1696Lys; replaces glutamic acid 1696 with lysine.
Molecular consequence: missense variant.
Genome position (GRCh38, 1-based): chr2:54,649,074, G>A. VCF-style: chr2-54649074-G-A. GRCh37 (hg19) VCF-style: chr2-54876211-G-A.
Other names: c.5047G>A, p.Glu1683Lys (NM_178313.3); short protein forms E1683K, E1696K.
Identifiers: ClinVar variation 4536479 (VCV004536479.1).